The following is an entry in ClinVar:

ClinVar aggregate classification (germline): Likely benign (0 of 4 stars; one submission).

Conditions:
OPTN-related disorder. Also called: OPTN-related condition; OPTN-related disorders.

Allele frequency attached by ClinVar (database versions not stated): ExAC 0.00002; ESP Exome Variant Server 0.00008.
gnomAD v4.1: 13 of 1,611,526 alleles (0.00081%); highest among the groups gnomAD compares: Non-Finnish European, 0.000085%; no homozygotes.

Submission:

PreventionGenetics, part of Exact Sciences
Classification: Likely benign for OPTN-related condition. Last evaluated: 2022-12-07. Review status: no assertion criteria provided. Collection method: clinical testing. Allele origin: germline.
Comment: This variant is classified as likely benign based on ACMG/AMP sequence variant interpretation guidelines (Richards et al. 2015 PMID: 25741868, with internal and published modifications).

NM_001008212.2(OPTN):c.570G>T (p.Gly190=)

Gene: OPTN (optineurin; plus strand). Cytogenetic location: 10p13.
Variant type: single nucleotide variant.
Coding change: c.570G>T on transcript NM_001008212.2 (MANE Select); coding-DNA position 570, G replaced by T.
Protein change: p.Gly190=; no amino-acid change (glycine 190 retained).
Molecular consequence: synonymous variant.
Genome position (GRCh38, 1-based): chr10:13,116,284, G>T. VCF-style: chr10-13116284-G-T. GRCh37 (hg19) VCF-style: chr10-13158284-G-T.
Other names: c.570G>T, p.Gly190= (NM_001008211.1, NM_001008213.1, NM_021980.4).
Identifiers: ClinVar variation 3029085 (VCV003029085.2), dbSNP rs148857878, ClinGen allele CA5410674.
Genomic context (GRCh38, chr10:13,116,284, plus strand): 5'-GTAGACATATTGTGTTAAATCCCTTGCATTTCTGTTTTCACAGGAAGGAGAAGCAGAAGG[G>T]TCAGTAAAAGAAATCAAGCATAGTCCTGGGCCCACGAGAACAGTCTCCACTGGCACGTAT-3'
Protein context (NP_001008213.1, residues 180-200): EIRMAEGEAE[Gly190=]SVKEIKHSPG